The following is an entry in ClinVar:

ClinVar aggregate classification (germline): Uncertain significance. Review status: criteria provided, multiple submitters, no conflicts (2 of 4 stars). 2 submissions from 2 submitters: Uncertain significance (2). Last evaluated 2025-03-11.

Allele frequency attached by ClinVar (database versions not stated): gnomAD 0.00001; TOPMed 0.00001.
gnomAD v4.1: 24 of 1,614,080 alleles (0.0015%); highest among the groups gnomAD compares: East Asian, 0.0045%; no homozygotes.

Submissions (2):

Ambry Genetics
Classification: Uncertain significance. Last evaluated: 2025-03-11. Review status: criteria provided, single submitter. Criteria: Ambry Variant Classification Scheme 2023. Collection method: clinical testing. Allele origin: germline.

Labcorp Genetics (formerly Invitae), Labcorp
Classification: Uncertain significance. Last evaluated: 2025-01-26. Review status: criteria provided, single submitter. Criteria: Invitae Variant Classification Sherloc (09022015). Collection method: clinical testing. Allele origin: germline.
Comment: This sequence change replaces proline, which is neutral and non-polar, with leucine, which is neutral and non-polar, at codon 211 of the UNC119 protein (p.Pro211Leu). This variant is present in population databases (rs749424586, gnomAD 0.01%). This variant has not been reported in the literature in individuals affected with UNC119-related conditions. ClinVar contains an entry for this variant (Variation ID: 1512356). An algorithm developed to predict the effect of missense changes on protein structure and function (PolyPhen-2) suggests that this variant is likely to be disruptive. In summary, the available evidence is currently insufficient to determine the role of this variant in disease. Therefore, it has been classified as a Variant of Uncertain Significance.

NM_005148.4(UNC119):c.632C>T (p.Pro211Leu)

Gene: UNC119 (unc-119 lipid binding chaperone; minus strand). Cytogenetic location: 17q11.2.
Variant type: single nucleotide variant.
Coding change: c.632C>T on transcript NM_005148.4 (MANE Select); coding-DNA position 632, C replaced by T.
Protein change: p.Pro211Leu; replaces proline 211 with leucine.
Molecular consequence: missense variant. On other transcripts: 3 prime UTR variant (1).
Genome position (GRCh38, 1-based): chr17:28,547,388, G>A on the plus strand (C>T on the coding strand, the complement: UNC119 is on the minus strand). VCF-style: chr17-28547388-G-A. GRCh37 (hg19) VCF-style: chr17-26874406-G-A.
Other names: c.347C>T, p.Pro116Leu (NM_001330166.2); c.*236C>T (NM_054035.2); c.632C>T (NM_005148.3); short protein forms P116L, P211L.
Identifiers: ClinVar variation 1512356 (VCV001512356.10), dbSNP rs749424586, ClinGen allele CA8459707.